The following is an entry in ClinVar:

NM_017780.4(CHD7):c.5895-3C>T

Gene: CHD7 (chromodomain helicase DNA binding protein 7; plus strand). Cytogenetic location: 8q12.2.
Variant type: single nucleotide variant.
Coding change: c.5895-3C>T on transcript NM_017780.4 (MANE Select); 3 bases into the intron before coding-DNA position 5895, C replaced by T.
Molecular consequence: intron variant.
Genome position (GRCh38, 1-based): chr8:60,852,495, C>T. VCF-style: chr8-60852495-C-T. GRCh37 (hg19) VCF-style: chr8-61765054-C-T.
Other names: c.1717-9734C>T (NM_001316690.1).
Identifiers: ClinVar variation 943880 (VCV000943880.9), dbSNP rs757905650, ClinGen allele CA4760499.

ClinVar aggregate classification (germline): Uncertain significance (1 of 4 stars; one submission).

Conditions:
CHARGE syndrome (CHARGE). Also called: Hittner Hirsch Kreh syndrome; Coloboma, heart anomaly, choanal atresia, retardation, genital and ear anomalies; CHARGE association; Hall-Hittner syndrome; CHARGE ASSOCIATION--COLOBOMA, HEART ANOMALY, CHOANAL ATRESIA, RETARDATION, GENITAL AND EAR ANOMALIES. Identifiers: Orphanet 138, MedGen C0265354, MONDO:0008965.

Allele frequency attached by ClinVar (database versions not stated): gnomAD 0.00001; gnomAD exomes 0.00001 and 0.00005; ExAC 0.00002; TOPMed 0.00002.
gnomAD v4.1: 76 of 1,610,848 alleles (0.0047%); highest among the groups gnomAD compares: Non-Finnish European, 0.0062%; no homozygotes.

Submission:

Labcorp Genetics (formerly Invitae), Labcorp
Classification: Uncertain significance for CHARGE syndrome. Last evaluated: 2025-12-17. Review status: criteria provided, single submitter. Criteria: Invitae Variant Classification Sherloc (09022015). Collection method: clinical testing. Allele origin: germline.
Comment: This sequence change falls in intron 29 of the CHD7 gene. It does not directly change the encoded amino acid sequence of the CHD7 protein. It affects a nucleotide within the consensus splice site. This variant is present in population databases (rs757905650, gnomAD 0.007%). This variant has not been reported in the literature in individuals affected with CHD7-related conditions. ClinVar contains an entry for this variant (Variation ID: 943880). Variants that disrupt the consensus splice site are a relatively common cause of aberrant splicing (PMID: 17576681, 9536098). Algorithms developed to predict the effect of sequence changes on RNA splicing suggest that this variant is not likely to affect RNA splicing. In summary, the available evidence is currently insufficient to determine the role of this variant in disease. Therefore, it has been classified as a Variant of Uncertain Significance.

Literature cited by the submitters: PubMed 17576681; PubMed 9536098.